The following is an entry in ClinVar:

NM_015178.3(RHOBTB2):c.103G>A (p.Ala35Thr)

Gene: RHOBTB2 (Rho related BTB domain containing 2; plus strand). Cytogenetic location: 8p21.3.
Variant type: single nucleotide variant.
Coding change: c.103G>A on transcript NM_015178.3 (MANE Select); coding-DNA position 103, G replaced by A.
Protein change: p.Ala35Thr; replaces alanine 35 with threonine.
Molecular consequence: missense variant.
Genome position (GRCh38, 1-based): chr8:23,004,537, G>A. VCF-style: chr8-23004537-G-A. GRCh37 (hg19) VCF-style: chr8-22862050-G-A.
Other names: c.169G>A, p.Ala57Thr (NM_001160036.2); c.124G>A, p.Ala42Thr (NM_001160037.2); c.103G>A, p.Ala35Thr (NM_001374791.1); short protein forms A35T, A42T, A57T.
Identifiers: ClinVar variation 1934764 (VCV001934764.5), dbSNP rs1342073189, ClinGen allele CA370558340.

ClinVar aggregate classification (germline): Uncertain significance (1 of 4 stars; one submission).

Allele frequency attached by ClinVar (database versions not stated): gnomAD 0.00001.
gnomAD v4.1: 9 of 1,614,090 alleles (0.00056%); highest among the groups gnomAD compares: South Asian, 0.0011%; no homozygotes.

Submission:

Labcorp Genetics (formerly Invitae), Labcorp
Classification: Uncertain significance. Last evaluated: 2022-08-12. Review status: criteria provided, single submitter. Criteria: Invitae Variant Classification Sherloc (09022015). Collection method: clinical testing. Allele origin: germline.
Comment: This sequence change replaces alanine, which is neutral and non-polar, with threonine, which is neutral and polar, at codon 57 of the RHOBTB2 protein (p.Ala57Thr). In summary, the available evidence is currently insufficient to determine the role of this variant in disease. Therefore, it has been classified as a Variant of Uncertain Significance. Algorithms developed to predict the effect of missense changes on protein structure and function are either unavailable or do not agree on the potential impact of this missense change (SIFT: "Deleterious"; PolyPhen-2: "Probably Damaging"; Align-GVGD: "Class C0"). This variant has not been reported in the literature in individuals affected with RHOBTB2-related conditions. The frequency data for this variant in the population databases is considered unreliable, as metrics indicate poor data quality at this position in the gnomAD database.